The following is an entry in ClinVar:

ClinVar aggregate classification (germline): Uncertain significance (1 of 4 stars; one submission).

Conditions:
Bloom syndrome (BLM). Also called: Bloom-Torre-Machacek syndrome. Identifiers: Orphanet 125, MedGen C0005859, MONDO:0008876, OMIM 210900.

Submission:

Labcorp Genetics (formerly Invitae), Labcorp
Classification: Uncertain significance for Bloom syndrome. Last evaluated: 2019-08-09. Review status: criteria provided, single submitter. Criteria: Invitae Variant Classification Sherloc (09022015). Collection method: clinical testing. Allele origin: germline.
Comment: This sequence change replaces aspartic acid with glycine at codon 532 of the BLM protein (p.Asp532Gly). The aspartic acid residue is weakly conserved and there is a moderate physicochemical difference between aspartic acid and glycine. This variant is not present in population databases (ExAC no frequency). This variant has not been reported in the literature in individuals with BLM-related conditions. Algorithms developed to predict the effect of missense changes on protein structure and function (SIFT, PolyPhen-2, Align-GVGD) all suggest that this variant is likely to be tolerated, but these predictions have not been confirmed by published functional studies and their clinical significance is uncertain. Algorithms developed to predict the effect of sequence changes on RNA splicing suggest that this variant may create or strengthen a splice site, but this prediction has not been confirmed by published transcriptional studies. In summary, the available evidence is currently insufficient to determine the role of this variant in disease. Therefore, it has been classified as a Variant of Uncertain Significance.

NM_000057.4(BLM):c.1595A>G (p.Asp532Gly)

Gene: BLM (BLM RecQ like helicase; plus strand). Cytogenetic location: 15q26.1.
Variant type: single nucleotide variant.
Coding change: c.1595A>G on transcript NM_000057.4 (MANE Select); coding-DNA position 1595, A replaced by G.
Protein change: p.Asp532Gly; replaces aspartic acid 532 with glycine.
Molecular consequence: missense variant.
Genome position (GRCh38, 1-based): chr15:90,760,968, A>G. VCF-style: chr15-90760968-A-G. GRCh37 (hg19) VCF-style: chr15-91304198-A-G.
Other names: c.1595A>G, p.Asp532Gly (NM_001287246.2, NM_001287247.2); c.470A>G, p.Asp157Gly (NM_001287248.2); short protein forms D157G, D532G.
Identifiers: ClinVar variation 962698 (VCV000962698.10), dbSNP rs1895966610, ClinGen allele CA393843402.